The following is an entry in ClinVar:

NM_017671.5(FERMT1):c.640C>A (p.Gln214Lys)

Gene: FERMT1 (FERM domain containing kindlin 1; minus strand). Cytogenetic location: 20p12.3.
Variant type: single nucleotide variant.
Coding change: c.640C>A on transcript NM_017671.5 (MANE Select); coding-DNA position 640, C replaced by A.
Protein change: p.Gln214Lys; replaces glutamine 214 with lysine.
Molecular consequence: missense variant.
Genome position (GRCh38, 1-based): chr20:6,110,404, G>T on the plus strand (C>A on the coding strand, the complement: FERMT1 is on the minus strand). VCF-style: chr20-6110404-G-T. GRCh37 (hg19) VCF-style: chr20-6091051-G-T.
Other names: short protein forms Q214K.
Identifiers: ClinVar variation 3613132 (VCV003613132.2).

ClinVar aggregate classification (germline): Uncertain significance (1 of 4 stars; one submission).

gnomAD v4.1: 32 of 1,613,940 alleles (0.002%); highest among the groups gnomAD compares: Non-Finnish European, 0.0026%; no homozygotes.

Submission:

Labcorp Genetics (formerly Invitae), Labcorp
Classification: Uncertain significance. Last evaluated: 2024-08-31. Review status: criteria provided, single submitter. Criteria: Invitae Variant Classification Sherloc (09022015). Collection method: clinical testing. Allele origin: germline.
Comment: This sequence change replaces glutamine, which is neutral and polar, with lysine, which is basic and polar, at codon 214 of the FERMT1 protein (p.Gln214Lys). This variant is present in population databases (rs775064265, gnomAD 0.004%). This variant has not been reported in the literature in individuals affected with FERMT1-related conditions. Invitae Evidence Modeling of protein sequence and biophysical properties (such as structural, functional, and spatial information, amino acid conservation, physicochemical variation, residue mobility, and thermodynamic stability) indicates that this missense variant is not expected to disrupt FERMT1 protein function with a negative predictive value of 80%. In summary, the available evidence is currently insufficient to determine the role of this variant in disease. Therefore, it has been classified as a Variant of Uncertain Significance.